The following is an entry in ClinVar:

ClinVar aggregate classification (germline): Uncertain significance. Review status: criteria provided, multiple submitters, no conflicts (2 of 4 stars). 2 submissions from 2 submitters: Uncertain significance (2). Last evaluated 2026-02-13.

Conditions:
Autism spectrum disorder due to AUTS2 deficiency (MRD26). Also called: INTELLECTUAL DEVELOPMENTAL DISORDER, AUTOSOMAL DOMINANT 26. Identifiers: Orphanet 352490, MedGen C4014435, MONDO:0014361, OMIM 615834.
Inborn genetic diseases. Identifiers: MedGen C0950123, MeSH D030342.

gnomAD v4.1: 3 of 1,577,582 alleles (0.00019%); highest among the groups gnomAD compares: Admixed American, 0.0019%; no homozygotes.

Submissions (2):

OLLIN Analises Genomicas, OLLIN
Classification: Uncertain significance for Autism spectrum disorder due to AUTS2 deficiency. Last evaluated: 2026-02-13. Review status: criteria provided, single submitter. Criteria: ACMG Guidelines 2015 PMID 25741868. Collection method: clinical testing. Allele origin: germline. Observed: 1 variant allele.
Comment: BP4_M

Ambry Genetics
Classification: Uncertain significance for Inborn genetic diseases. Last evaluated: 2024-06-13. Review status: criteria provided, single submitter. Criteria: Ambry Variant Classification Scheme 2023. Collection method: clinical testing. Allele origin: germline.

NM_015570.4(AUTS2):c.2840C>T (p.Pro947Leu)

Gene: AUTS2 (activator of transcription and developmental regulator AUTS2; plus strand). Cytogenetic location: 7q11.22.
Variant type: single nucleotide variant.
Coding change: c.2840C>T on transcript NM_015570.4 (MANE Select); coding-DNA position 2840, C replaced by T.
Protein change: p.Pro947Leu; replaces proline 947 with leucine.
Molecular consequence: missense variant.
Genome position (GRCh38, 1-based): chr7:70,790,056, C>T. VCF-style: chr7-70790056-C-T. GRCh37 (hg19) VCF-style: chr7-70255042-C-T.
Other names: c.2768C>T, p.Pro923Leu (NM_001127231.3); short protein forms P923L, P947L.
Identifiers: ClinVar variation 3333766 (VCV003333766.2).